The following is an entry in ClinVar:

ClinVar aggregate classification (germline): Uncertain significance (1 of 4 stars; one submission).

Submission:

Labcorp Genetics (formerly Invitae), Labcorp
Classification: Uncertain significance. Last evaluated: 2022-09-27. Review status: criteria provided, single submitter. Criteria: Invitae Variant Classification Sherloc (09022015). Collection method: clinical testing. Allele origin: germline.
Comment: This variant has not been reported in the literature in individuals affected with SETBP1-related conditions. Advanced modeling of protein sequence and biophysical properties (such as structural, functional, and spatial information, amino acid conservation, physicochemical variation, residue mobility, and thermodynamic stability) performed at Invitae indicates that this missense variant is not expected to disrupt SETBP1 protein function. In summary, the available evidence is currently insufficient to determine the role of this variant in disease. Therefore, it has been classified as a Variant of Uncertain Significance. This sequence change replaces serine, which is neutral and polar, with asparagine, which is neutral and polar, at codon 1266 of the SETBP1 protein (p.Ser1266Asn). This variant is not present in population databases (gnomAD no frequency).

NM_015559.3(SETBP1):c.3797G>A (p.Ser1266Asn)

Gene: SETBP1 (SET binding protein 1; plus strand). Cytogenetic location: 18q12.3.
Variant type: single nucleotide variant.
Coding change: c.3797G>A on transcript NM_015559.3 (MANE Select); coding-DNA position 3797, G replaced by A.
Protein change: p.Ser1266Asn; replaces serine 1266 with asparagine.
Molecular consequence: missense variant.
Genome position (GRCh38, 1-based): chr18:44,953,137, G>A. VCF-style: chr18-44953137-G-A. GRCh37 (hg19) VCF-style: chr18-42533102-G-A.
Other names: c.3797G>A, p.Ser1266Asn (NM_001379141.1, NM_001379142.1, NM_001410862.1); short protein forms S1266N.
Identifiers: ClinVar variation 1720447 (VCV001720447.5), dbSNP rs2511477281, ClinGen allele CA402325208.